The following is an entry in ClinVar:

NM_016111.4(TELO2):c.2367C>G (p.Asp789Glu)

Gene: TELO2 (telomere maintenance 2; plus strand). Cytogenetic location: 16p13.3.
Variant type: single nucleotide variant.
Coding change: c.2367C>G on transcript NM_016111.4 (MANE Select); coding-DNA position 2367, C replaced by G.
Protein change: p.Asp789Glu; replaces aspartic acid 789 with glutamic acid.
Molecular consequence: missense variant.
Genome position (GRCh38, 1-based): chr16:1,507,676, C>G. VCF-style: chr16-1507676-C-G. GRCh37 (hg19) VCF-style: chr16-1557677-C-G.
Other names: c.2367C>G (NM_016111.3); c.2367C>G, p.Asp789Glu (NM_001351846.2); short protein forms D789E.
Identifiers: ClinVar variation 2081488 (VCV002081488.6), dbSNP rs531584946, ClinGen allele CA7812639.

ClinVar aggregate classification (germline): Uncertain significance. Review status: criteria provided, single submitter (1 of 4 stars). 2 submissions from 2 submitters: Uncertain significance (1). 1 of the submissions does not count toward it. Last evaluated 2022-10-24.

Conditions:
TELO2-related disorder. Also called: TELO2-related condition.

Allele frequency attached by ClinVar (database versions not stated): ExAC 0.00015; 1000 Genomes Project 30x 0.00047; 1000 Genomes Project 0.00060.
gnomAD v4.1: 68 of 1,604,086 alleles (0.0042%); highest among the groups gnomAD compares: East Asian, 0.14%; no homozygotes.

Submissions (2):

Labcorp Genetics (formerly Invitae), Labcorp
Classification: Uncertain significance. Last evaluated: 2022-10-24. Review status: criteria provided, single submitter. Criteria: Invitae Variant Classification Sherloc (09022015). Collection method: clinical testing. Allele origin: germline.
Comment: This sequence change replaces aspartic acid, which is acidic and polar, with glutamic acid, which is acidic and polar, at codon 789 of the TELO2 protein (p.Asp789Glu). This variant is present in population databases (rs531584946, gnomAD 0.2%). This variant has not been reported in the literature in individuals affected with TELO2-related conditions. Advanced modeling of protein sequence and biophysical properties (such as structural, functional, and spatial information, amino acid conservation, physicochemical variation, residue mobility, and thermodynamic stability) performed at Invitae indicates that this missense variant is not expected to disrupt TELO2 protein function. In summary, the available evidence is currently insufficient to determine the role of this variant in disease. Therefore, it has been classified as a Variant of Uncertain Significance.

PreventionGenetics, part of Exact Sciences
Classification: Likely benign for TELO2-related condition. Last evaluated: 2023-06-08. Review status: no assertion criteria provided. Collection method: clinical testing. Allele origin: germline. Not counted in ClinVar's aggregate classification.
Comment: This variant is classified as likely benign based on ACMG/AMP sequence variant interpretation guidelines (Richards et al. 2015 PMID: 25741868, with internal and published modifications).